The following is an entry in ClinVar:

NM_000363.5(TNNI3):c.25-8T>A

Gene: TNNI3 (troponin I3, cardiac type; minus strand). Cytogenetic location: 19q13.42.
Variant type: single nucleotide variant.
Coding change: c.25-8T>A on transcript NM_000363.5 (MANE Select); 8 bases into the intron before coding-DNA position 25, T replaced by A.
Molecular consequence: intron variant.
Genome position (GRCh38, 1-based): chr19:55,157,141, A>T on the plus strand (T>A on the coding strand, the complement: TNNI3 is on the minus strand). VCF-style: chr19-55157141-A-T. GRCh37 (hg19) VCF-style: chr19-55668509-A-T.
Other names: p.?.
Identifiers: ClinVar variation 43371 (VCV000043371.43), dbSNP rs3729836, ClinGen allele CA021447.

ClinVar aggregate classification (germline): Benign/Likely benign. Review status: criteria provided, multiple submitters, no conflicts (2 of 4 stars). 21 submissions from 17 submitters: Benign (15); Likely benign (1). 5 of the submissions do not count toward it. Last evaluated 2026-02-04.

Conditions:
Cardiomyopathy (CMYO). Also called: Cardiomyopathies. Identifiers: Orphanet 167848, MedGen C0878544, MONDO:0004994, HP:0001638. Inheritance: Various modes of inheritance.
Dilated cardiomyopathy 2A (CMD2A). Also called: CARDIOMYOPATHY, CONGESTIVE, AUTOSOMAL RECESSIVE; CARDIOMYOPATHY, DILATED, AUTOSOMAL RECESSIVE. Identifiers: Orphanet 154, MedGen C2678474, MONDO:0012746, OMIM 611880.
Hypertrophic cardiomyopathy 7. Also called: TNNI3-Related Familial Hypertrophic Cardiomyopathy; Familial hypertrophic cardiomyopathy 7; CARDIOMYOPATHY, FAMILIAL HYPERTROPHIC, 7, MODIFIER OF. Identifiers: MedGen C1860752, MONDO:0013369, OMIM 613690.
Cardiomyopathy, familial restrictive, 1. Identifiers: Orphanet 75249, MedGen C1861861, MONDO:0007270, OMIM 115210.
Hypertrophic cardiomyopathy. Also called: HYPERTROPHIC MYOCARDIOPATHY. Identifiers: Orphanet 217569, MedGen C0007194, MeSH D002312, MONDO:0005045, HP:0001639.

Allele frequency attached by ClinVar (database versions not stated): gnomAD exomes 0.23992 and 0.31631; ESP Exome Variant Server 0.31615; gnomAD 0.35138 and 0.35431; ExAC 0.35374; TOPMed 0.37761; 1000 Genomes Project 0.45807; 1000 Genomes Project 30x 0.46330.
gnomAD v4.1: 402,384 of 1,595,860 alleles (25%); highest among the groups gnomAD compares: African/African-American, 62%; 61,446 homozygotes.

Submissions (21):

Labcorp Genetics (formerly Invitae), Labcorp
Classification: Benign for Hypertrophic cardiomyopathy. Last evaluated: 2026-02-04. Review status: criteria provided, single submitter. Criteria: Invitae Variant Classification Sherloc (09022015). Collection method: clinical testing. Allele origin: germline.

Blueprint Genetics
Classification: Benign. Last evaluated: 2024-11-28. Review status: criteria provided, single submitter. Criteria: ACMG Guidelines, 2015. Collection method: clinical testing. Allele origin: germline.

Genome-Nilou Lab
Classification: Benign for Dilated cardiomyopathy 2A. Last evaluated: 2021-09-10. Review status: criteria provided, single submitter. Criteria: ACMG Guidelines, 2015. Collection method: clinical testing. Allele origin: germline. Affected: no.

Genome-Nilou Lab
Classification: Benign for Cardiomyopathy, familial restrictive, 1. Last evaluated: 2021-09-10. Review status: criteria provided, single submitter. Criteria: ACMG Guidelines, 2015. Collection method: clinical testing. Allele origin: germline. Affected: no.

Genome-Nilou Lab
Classification: Benign for Hypertrophic cardiomyopathy 7. Last evaluated: 2021-09-10. Review status: criteria provided, single submitter. Criteria: ACMG Guidelines, 2015. Collection method: clinical testing. Allele origin: germline. Affected: no.

Molecular Diagnostic Laboratory for Inherited Cardiovascular Disease, Montreal Heart Institute
Classification: Benign. Last evaluated: 2020-05-20. Review status: criteria provided, single submitter. Criteria: ACMG Guidelines, 2015. Collection method: clinical testing. Allele origin: germline. Affected: yes.

Color Diagnostics, LLC DBA Color Health
Classification: Benign for Cardiomyopathy. Last evaluated: 2018-03-09. Review status: criteria provided, single submitter. Criteria: ACMG Guidelines, 2015. Collection method: clinical testing. Allele origin: germline.

Illumina Laboratory Services, Illumina
Classification: Benign for Dilated cardiomyopathy 2A. Last evaluated: 2018-01-13. Review status: criteria provided, single submitter. Criteria: ICSL Variant Classification Criteria 13 December 2019. Collection method: clinical testing. Allele origin: germline.
Comment: This variant was observed in the ICSL laboratory as part of a predisposition screen in an ostensibly healthy population. It had not been previously curated by ICSL or reported in the Human Gene Mutation Database (HGMD: prior to June 1st, 2018), and was therefore a candidate for classification through an automated scoring system. Utilizing variant allele frequency, disease prevalence and penetrance estimates, and inheritance mode, an automated score was calculated to assess if this variant is too frequent to cause the disease. Based on the score and internal cut-off values, a variant classified as benign is not then subjected to further curation. The score for this variant resulted in a classification of benign for this disease.

Illumina Laboratory Services, Illumina
Classification: Benign for Hypertrophic cardiomyopathy 7. Last evaluated: 2018-01-13. Review status: criteria provided, single submitter. Criteria: ICSL Variant Classification Criteria 13 December 2019. Collection method: clinical testing. Allele origin: germline.
Comment: the same text as in the submission from Illumina Laboratory Services, Illumina above.

Illumina Laboratory Services, Illumina
Classification: Benign for Cardiomyopathy, familial restrictive, 1. Last evaluated: 2018-01-13. Review status: criteria provided, single submitter. Criteria: ICSL Variant Classification Criteria 13 December 2019. Collection method: clinical testing. Allele origin: germline.
Comment: the same text as in the submission from Illumina Laboratory Services, Illumina above.

Mayo Clinic Laboratories, Mayo Clinic
Classification: Benign. Last evaluated: 2014-03-04. Review status: criteria provided, single submitter. Criteria: ACMG Guidelines, 2015. Collection method: clinical testing. Allele origin: germline. Observed: 789 variant alleles.

Stanford Center for Inherited Cardiovascular Disease, Stanford University
Classification: Benign. Last evaluated: 2013-07-15. Review status: criteria provided, single submitter. Criteria: ACMG Guidelines, 2015. Collection method: provider interpretation. Allele origin: germline.

GeneDx
Classification: Benign. Last evaluated: 2012-08-28. Review status: criteria provided, single submitter. Criteria: GeneDx Variant Classification (06012015). Collection method: clinical testing. Allele origin: germline. Affected: yes.
Comment: This variant is considered likely benign or benign based on one or more of the following criteria: it is a conservative change, it occurs at a poorly conserved position in the protein, it is predicted to be benign by multiple in silico algorithms, and/or has population frequency not consistent with disease.

Laboratory for Molecular Medicine, Mass General Brigham Personalized Medicine
Classification: Benign. Last evaluated: 2006-10-28. Review status: criteria provided, single submitter. Criteria: LMM Criteria. Collection method: clinical testing. Allele origin: germline. Observed: 2,317 variant alleles.

Breakthrough Genomics
Classification: Likely benign. Review status: criteria provided, single submitter. Criteria: ACMG Guidelines, 2015. Collection method: not provided. Allele origin: germline. Inheritance: Autosomal recessive inheritance. Affected: yes.

PreventionGenetics, part of Exact Sciences
Classification: Benign. Review status: criteria provided, single submitter. Criteria: ACMG Guidelines, 2015. Collection method: clinical testing. Allele origin: germline.

Cohesion Phenomics
Classification: Benign for Cardiomyopathy. Last evaluated: 2022-10-10. Review status: no assertion criteria provided. Criteria: ACMG Guidelines, 2015. Collection method: clinical testing. Allele origin: germline. Affected: yes. Not counted in ClinVar's aggregate classification.

Clinical Genetics DNA and cytogenetics Diagnostics Lab, Erasmus MC, Erasmus Medical Center
Classification: Benign. Review status: no assertion criteria provided. Collection method: clinical testing. Allele origin: germline. Affected: yes. Study: VKGL Data-share Consensus. Not counted in ClinVar's aggregate classification.

Clinical Genetics, Academic Medical Center
Classification: Benign. Review status: no assertion criteria provided. Collection method: clinical testing. Allele origin: germline. Affected: yes. Study: VKGL Data-share Consensus. Not counted in ClinVar's aggregate classification.

Diagnostic Laboratory, Department of Genetics, University Medical Center Groningen
Classification: Benign. Review status: no assertion criteria provided. Collection method: clinical testing. Allele origin: germline. Affected: yes. Study: VKGL Data-share Consensus. Not counted in ClinVar's aggregate classification.

Joint Genome Diagnostic Labs from Nijmegen and Maastricht, Radboudumc and MUMC+
Classification: Benign. Review status: no assertion criteria provided. Collection method: clinical testing. Allele origin: germline. Affected: yes. Study: VKGL Data-share Consensus. Not counted in ClinVar's aggregate classification.